The following is an entry in ClinVar:

ClinVar aggregate classification (germline): Pathogenic (1 of 4 stars; one submission).

Conditions:
Early-infantile DEE. Also called: Early infantile epileptic encephalopathy; Early infantile epileptic encephalopathy with suppression bursts; Ohtahara syndrome. Identifiers: Orphanet 1934, MedGen C0393706, MONDO:0800491.

Submission:

Labcorp Genetics (formerly Invitae), Labcorp
Classification: Pathogenic for Early-infantile DEE. Last evaluated: 2022-03-04. Review status: criteria provided, single submitter. Criteria: Invitae Variant Classification Sherloc (09022015). Collection method: clinical testing. Allele origin: germline.
Comment: For these reasons, this variant has been classified as Pathogenic. Algorithms developed to predict the effect of sequence changes on RNA splicing suggest that this variant may disrupt the consensus splice site. This variant has not been reported in the literature in individuals affected with KCNQ2-related conditions. This variant is not present in population databases (gnomAD no frequency). This sequence change creates a premature translational stop signal (p.Gly149Valfs*19) in the KCNQ2 gene. It is expected to result in an absent or disrupted protein product. Loss-of-function variants in KCNQ2 are known to be pathogenic (PMID: 14534157, 23692823, 27779742).

Literature cited by the submitters: PubMed 14534157; PubMed 23692823; PubMed 27779742.

NM_172107.4(KCNQ2):c.446_459del (p.Gly149fs)

Gene: KCNQ2 (potassium voltage-gated channel subfamily Q member 2; minus strand). Cytogenetic location: 20q13.33.
Variant type: Deletion.
Coding change: c.446_459del on transcript NM_172107.4 (MANE Select); coding-DNA positions 446 to 459, 14 bases deleted (GCTGCTGCTGCCGG).
Protein change: p.Gly149fs; shifts the reading frame from glycine 149.
Molecular consequence: frameshift variant.
Genome position (GRCh38, 1-based): chr20:63,445,293-63,445,306, CCGGCAGCAGCAGC deleted on the plus strand (GCTGCTGCTGCCGG on the coding strand, the reverse complement: KCNQ2 is on the minus strand); deleting any 14 consecutive bases within chr20:63,445,293-63,445,307 gives the same sequence; the c. name uses the placement nearest the transcript's 3' end. VCF-style (leftmost placement, unchanged base first): chr20-63445292-ACCGGCAGCAGCAGC-A. GRCh37 (hg19) VCF-style: chr20-62076645-ACCGGCAGCAGCAGC-A.
Other names: c.446_459del, p.Gly149fs (NM_001382235.1, NM_004518.6, NM_172106.3 and 2 more transcripts); short protein forms G149fs.
Identifiers: ClinVar variation 2106021 (VCV002106021.4), dbSNP rs2516511491, ClinGen allele CA2580098411.